The following is an entry in ClinVar:

NM_198253.3(TERT):c.2996C>A (p.Thr999Asn)

Gene: TERT (telomerase reverse transcriptase; minus strand). Cytogenetic location: 5p15.33.
Variant type: single nucleotide variant.
Coding change: c.2996C>A on transcript NM_198253.3 (MANE Select); coding-DNA position 2996, C replaced by A.
Protein change: p.Thr999Asn; replaces threonine 999 with asparagine.
Molecular consequence: missense variant. On other transcripts: non-coding transcript variant (2).
Genome position (GRCh38, 1-based): chr5:1,258,634, G>T on the plus strand (C>A on the coding strand, the complement: TERT is on the minus strand). VCF-style: chr5-1258634-G-T. GRCh37 (hg19) VCF-style: chr5-1258749-G-T.
Other names: c.2807C>A, p.Thr936Asn (NM_001193376.3); c.2996C>A, p.Thr999Asn (NM_003219.1); short protein forms T936N, T999N.
Identifiers: ClinVar variation 3238591 (VCV003238591.1), dbSNP rs1465875958.

ClinVar aggregate classification (germline): Uncertain significance (1 of 4 stars; one submission).

Conditions:
Dyskeratosis congenita. Identifiers: Orphanet 1775, MedGen C0265965, MONDO:0015780.

Allele frequency attached by ClinVar (database versions not stated): gnomAD exomes below 0.00001.
gnomAD v4.1: 2 of 1,571,974 alleles (0.00013%); highest among the groups gnomAD compares: Non-Finnish European, 0.00017%; no homozygotes.

Submission:

Ambry Genetics
Classification: Uncertain significance for Dyskeratosis congenita. Last evaluated: 2023-09-16. Review status: criteria provided, single submitter. Criteria: Ambry Variant Classification Scheme 2023. Collection method: clinical testing. Allele origin: germline.
Comment: The p.T999N variant (also known as c.2996C>A), located in coding exon 13 of the TERT gene, results from a C to A substitution at nucleotide position 2996. The threonine at codon 999 is replaced by asparagine, an amino acid with similar properties. This amino acid position is conserved. In addition, this alteration is predicted to be tolerated by in silico analysis. Since supporting evidence is limited at this time, the clinical significance of this alteration remains unclear.